The following is an entry in ClinVar:

NM_003227.4(TFR2):c.287-2A>G

Gene: TFR2 (transferrin receptor 2; minus strand). Cytogenetic location: 7q22.1.
Variant type: single nucleotide variant.
Coding change: c.287-2A>G on transcript NM_003227.4 (MANE Select); the canonical splice acceptor site of the intron before coding-DNA position 287, A replaced by G.
Molecular consequence: splice acceptor variant.
Genome position (GRCh38, 1-based): chr7:100,640,874, T>C on the plus strand (A>G on the coding strand, the complement: TFR2 is on the minus strand). VCF-style: chr7-100640874-T-C. GRCh37 (hg19) VCF-style: chr7-100238497-T-C.
Other names: c.287-2A>G (NM_003227.3).
Identifiers: ClinVar variation 2679155 (VCV002679155.2), dbSNP rs774862156, ClinGen allele CA4386879.
Genomic context (GRCh38, chr7:100,640,874, plus strand): 5'-CACAGAGTCTCCGCACGCCTGGCAGGACCCTCGGAAGGCGACGTAGCCCAGTAGGAAGGC[T>C]GGCGGGTGGCAAGATGGGGATTCTCTTTATGCCCACCTCTGGACCCCAGAAATCTCCCCC-3'

ClinVar aggregate classification (germline): Likely pathogenic. Review status: criteria provided, multiple submitters, no conflicts (2 of 4 stars). 2 submissions from 2 submitters: Likely pathogenic (2). Last evaluated 2024-09-10.

Conditions:
Hemochromatosis type 3 (HFE3). Also called: HEMOCHROMATOSIS DUE TO DEFECT IN TRANSFERRIN RECEPTOR 2; Hereditary hemochromatosis type 3; TFR2-Related Hemochromatosis. Identifiers: Orphanet 225123, MedGen C1858664, MONDO:0011417, OMIM 604250.

Allele frequency attached by ClinVar (database versions not stated): ExAC 0.00001; gnomAD exomes 0.00001.

Submissions (2):

Natera, Inc.
Classification: Likely pathogenic for Hereditary hemochromatosis type 3. Last evaluated: 2024-09-10. Review status: criteria provided, single submitter. Criteria: Natera Variant Classification Schema (03/2026). Collection method: clinical testing. Allele origin: germline.
Comment: The c.287-2A>G variant in TFR2 is a canonical splice acceptor site variant predicted to affect pre-mRNA splicing, which may result in an abnormal transcript and altered protein product. This variant is expected to result in nonsense mediated decay, truncation, or a dysfunctional protein product. This variant is rare in the general population with a frequency below the threshold expected for the associated phenotype(s). Given the available evidence, this variant is classified as Likely Pathogenic.

Baylor Genetics
Classification: Likely pathogenic for Hemochromatosis type 3. Last evaluated: 2023-05-27. Review status: criteria provided, single submitter. Criteria: ACMG Guidelines, 2015. Collection method: clinical testing. Allele origin: unknown.